The following is an entry in ClinVar:

NM_000057.4(BLM):c.3263T>C (p.Val1088Ala)

Gene: BLM (BLM RecQ like helicase; plus strand). Cytogenetic location: 15q26.1.
Variant type: single nucleotide variant.
Coding change: c.3263T>C on transcript NM_000057.4 (MANE Select); coding-DNA position 3263, T replaced by C.
Protein change: p.Val1088Ala; replaces valine 1088 with alanine.
Molecular consequence: missense variant.
Genome position (GRCh38, 1-based): chr15:90,798,242, T>C. VCF-style: chr15-90798242-T-C. GRCh37 (hg19) VCF-style: chr15-91341472-T-C.
Other names: c.3263T>C, p.Val1088Ala (NM_001287246.2, NM_001287247.2); c.2138T>C, p.Val713Ala (NM_001287248.2); short protein forms V713A, V1088A.
Identifiers: ClinVar variation 2901789 (VCV002901789.4), dbSNP rs2505534602, ClinGen allele CA393847213.
Genomic context (GRCh38, chr15:90,798,242, plus strand): 5'-ATTCATAGGATTATAAAACAAGAGATGTGACTGACGATGTGAAAAGTATTGTAAGATTTG[T>C]TCAAGAACATAGTTCATCACAAGGAATGAGAAATATAAAACATGTAGGTCCTTCTGGAAG-3'
Protein context (NP_000048.1, residues 1078-1098): TDDVKSIVRF[Val1088Ala]QEHSSSQGMR

ClinVar aggregate classification (germline): Uncertain significance. Review status: criteria provided, multiple submitters, no conflicts (2 of 4 stars). 2 submissions from 2 submitters: Uncertain significance (2). Last evaluated 2025-10-11.

Conditions:
Hereditary cancer-predisposing syndrome. Also called: Hereditary Cancer Syndrome; Hereditary neoplastic syndrome; Tumor predisposition; Neoplastic Syndromes, Hereditary. Identifiers: Orphanet 140162, MedGen C0027672, MeSH D009386, MONDO:0015356.
Bloom syndrome (BLM). Also called: Bloom-Torre-Machacek syndrome. Identifiers: Orphanet 125, MedGen C0005859, MONDO:0008876, OMIM 210900.

Submissions (2):

Ambry Genetics
Classification: Uncertain significance for Hereditary cancer-predisposing syndrome. Last evaluated: 2025-10-11. Review status: criteria provided, single submitter. Criteria: Ambry Variant Classification Scheme 2023. Collection method: clinical testing. Allele origin: germline.
Comment: The p.V1088A variant (also known as c.3263T>C), located in coding exon 16 of the BLM gene, results from a T to C substitution at nucleotide position 3263. The valine at codon 1088 is replaced by alanine, an amino acid with similar properties. This amino acid position is conserved. In addition, the in silico prediction for this alteration is inconclusive. Based on the available evidence, the clinical significance of this variant remains unclear.

Labcorp Genetics (formerly Invitae), Labcorp
Classification: Uncertain significance for Bloom syndrome. Last evaluated: 2024-02-20. Review status: criteria provided, single submitter. Criteria: Invitae Variant Classification Sherloc (09022015). Collection method: clinical testing. Allele origin: germline.
Comment: This sequence change replaces valine, which is neutral and non-polar, with alanine, which is neutral and non-polar, at codon 1088 of the BLM protein (p.Val1088Ala). This variant is not present in population databases (gnomAD no frequency). This variant has not been reported in the literature in individuals affected with BLM-related conditions. Advanced modeling of protein sequence and biophysical properties (such as structural, functional, and spatial information, amino acid conservation, physicochemical variation, residue mobility, and thermodynamic stability) performed at Invitae indicates that this missense variant is not expected to disrupt BLM protein function with a negative predictive value of 80%. In summary, the available evidence is currently insufficient to determine the role of this variant in disease. Therefore, it has been classified as a Variant of Uncertain Significance.